The following is an entry in ClinVar:

ClinVar aggregate classification (germline): Likely pathogenic (1 of 4 stars; one submission).

Conditions:
Hermansky-Pudlak syndrome (HPS). Also called: ALBINISM WITH HEMORRHAGIC DIATHESIS AND PIGMENTED RETICULOENDOTHELIAL CELLS. Identifiers: Orphanet 79430, MedGen C0079504, MONDO:0019312.

Submission:

Natera, Inc.
Classification: Likely pathogenic for Hermansky-Pudlak syndrome. Last evaluated: 2025-07-14. Review status: criteria provided, single submitter. Criteria: Natera Variant Classification Schema (03/2026). Collection method: clinical testing. Allele origin: germline.
Comment: The c.1059T>G variant in HPS3 is a nonsense variant predicted to introduce a stop codon at amino acid 353. This variant is expected to result in nonsense mediated decay, truncation, or a dysfunctional protein product. This variant is rare in the general population with a frequency below the threshold expected for the associated phenotype(s). Given the available evidence, this variant is classified as Likely Pathogenic.

NM_032383.5(HPS3):c.1059T>G (p.Tyr353Ter)

Gene: HPS3 (HPS3 biogenesis of lysosomal organelles complex 2 subunit 1; plus strand). Cytogenetic location: 3q24.
Variant type: single nucleotide variant.
Coding change: c.1059T>G on transcript NM_032383.5 (MANE Select); coding-DNA position 1059, T replaced by G.
Protein change: p.Tyr353Ter; replaces tyrosine 353 with a stop codon.
Molecular consequence: nonsense.
Genome position (GRCh38, 1-based): chr3:149,145,442, T>G. VCF-style: chr3-149145442-T-G. GRCh37 (hg19) VCF-style: chr3-148863229-T-G.
Other names: c.564T>G, p.Tyr188Ter (NM_001308258.2); short protein forms Y188*, Y353*.
Identifiers: ClinVar variation 4816318 (VCV004816318.1).
Genomic context (GRCh38, chr3:149,145,442, plus strand): 5'-GTCTCAGGAAAAAGAATTGCTGAGTCTCTTTTGCTTTTTCTCCTTACCTCATGTGGGCTA[T>G]CTCTACATGGTTGTCAAATCTGTTGAATTGATGTCAGTCTACCAGTATCCTGAAAAGTCT-3'